The following is an entry in ClinVar:

NM_001173464.2(KIF21A):c.1839AGA[1] (p.Glu621del)

Gene: KIF21A (kinesin family member 21A; minus strand). Cytogenetic location: 12q12.
Variant type: Microsatellite.
Coding change: c.1839AGA[1] on transcript NM_001173464.2 (MANE Select); one copy of the 3-base unit AGA starting at c.1839; the reference has two copies in a row; one copy, 3 bases deleted.
Protein change: p.Glu621del; deletes glutamic acid 621.
Molecular consequence: inframe deletion.
Genome position (GRCh38, 1-based): chr12:39,341,582-39,341,584, TCT deleted on the plus strand (AGA on the coding strand, the reverse complement: KIF21A is on the minus strand); deleting any 3 consecutive bases within chr12:39,341,582-39,341,589 gives the same sequence; the position shown is the placement nearest the transcript's 3' end. VCF-style (leftmost placement, unchanged base first): chr12-39341581-CTCT-C. GRCh37 (hg19) VCF-style: chr12-39735383-CTCT-C.
Other names: c.1800AGA[1], p.Glu608del (NM_001173463.2, NM_001173465.2, NM_001378441.1 and 1 more transcripts); c.1839AGA[1], p.Glu621del (NM_001378439.1, NM_001378440.1); short protein forms E608del, E621del.
Identifiers: ClinVar variation 1049680 (VCV001049680.1), dbSNP rs1453778990, ClinGen allele CA604497961.

ClinVar aggregate classification (germline): Uncertain significance (0 of 4 stars; one submission).

Submission:

Department of Pathology and Laboratory Medicine, Sinai Health System
Classification: Uncertain significance. Review status: no assertion criteria provided. Collection method: clinical testing. Allele origin: unknown. Affected: yes. Study: The Canadian Open Genetics Repository (COGR).
Comment: The KIF21A p.Glu608del variant was not identified in the literature nor was it identified in LOVD 3.0. The variant was identified in dbSNP (ID: rs1453778990) and ClinVar (reported as likely benign by Invitae). The variant was identified in control databases in 2 of 244968 chromosomes at a frequency of 0.000008164 (Genome Aggregation Database March 6, 2019, v2.1.1). The variant was observed in the European (non-Finnish) population in 2 of 109178 chromosomes (freq: 0.000018), but was not observed in the African, Latino, Ashkenazi Jewish, East Asian, European (Finnish), Other, or South Asian populations. This variant is an in-frame deletion resulting in the removal of a glutamic acid (glu) residue at codon 608; the impact of this alteration on KIF21A protein function is not known. The variant occurs outside of the splicing consensus sequence and in silico or computational prediction software programs (SpliceSiteFinder, MaxEntScan, NNSPLICE, GeneSplicer) do not predict a difference in splicing. In summary, based on the above information the clinical significance of this variant cannot be determined with certainty at this time. This variant is classified as a variant of uncertain significance.